The following is an entry in ClinVar:

NM_031935.3(HMCN1):c.8300G>A (p.Ser2767Asn)

Gene: HMCN1 (hemicentin 1; plus strand). Cytogenetic location: 1q31.1.
Variant type: single nucleotide variant.
Coding change: c.8300G>A on transcript NM_031935.3 (MANE Select); coding-DNA position 8300, G replaced by A.
Protein change: p.Ser2767Asn; replaces serine 2767 with asparagine.
Molecular consequence: missense variant.
Genome position (GRCh38, 1-based): chr1:186,076,437, G>A. VCF-style: chr1-186076437-G-A. GRCh37 (hg19) VCF-style: chr1-186045569-G-A.
Other names: short protein forms S2767N.
Identifiers: ClinVar variation 2959036 (VCV002959036.3), dbSNP rs1449323688, ClinGen allele CA343911889.

ClinVar aggregate classification (germline): Uncertain significance (1 of 4 stars; one submission).

Allele frequency attached by ClinVar (database versions not stated): gnomAD 0.00002; TOPMed 0.00005.
gnomAD v4.1: 15 of 1,613,276 alleles (0.00093%); highest among the groups gnomAD compares: African/African-American, 0.0067%; no homozygotes.

Submission:

Labcorp Genetics (formerly Invitae), Labcorp
Classification: Uncertain significance. Last evaluated: 2022-12-09. Review status: criteria provided, single submitter. Criteria: Invitae Variant Classification Sherloc (09022015). Collection method: clinical testing. Allele origin: germline.
Comment: In summary, the available evidence is currently insufficient to determine the role of this variant in disease. Therefore, it has been classified as a Variant of Uncertain Significance. Algorithms developed to predict the effect of missense changes on protein structure and function are either unavailable or do not agree on the potential impact of this missense change (SIFT: "Tolerated"; PolyPhen-2: "Probably Damaging"; Align-GVGD: "Class C0"). This variant has not been reported in the literature in individuals affected with HMCN1-related conditions. This variant is present in population databases (no rsID available, gnomAD 0.007%). This sequence change replaces serine, which is neutral and polar, with asparagine, which is neutral and polar, at codon 2767 of the HMCN1 protein (p.Ser2767Asn).